The following is an entry in ClinVar:

ClinVar aggregate classification (germline): Likely pathogenic. Review status: criteria provided, multiple submitters, no conflicts (2 of 4 stars). 2 submissions from 2 submitters: Likely pathogenic (2). Last evaluated 2026-05-13.

Conditions:
Familial hemophagocytic lymphohistiocytosis 5. Also called: STXBP2-Related Familial Hemophagocytic Lymphohistiocytosis (STXBP2-fHLH). Identifiers: Orphanet 540, MedGen C2751293, MONDO:0013135, OMIM 613101.

Allele frequency attached by ClinVar (database versions not stated): gnomAD exomes below 0.00001; TOPMed below 0.00001.
gnomAD v4.1: 2 of 1,614,194 alleles (0.00012%); highest among the groups gnomAD compares: Non-Finnish European, 0.00017%; no homozygotes.

Submissions (2):

GeneDx
Classification: Likely pathogenic. Last evaluated: 2026-05-13. Review status: criteria provided, single submitter. Criteria: GeneDx Variant Classification Process June 2021. Collection method: clinical testing. Allele origin: germline.
Comment: Canonical splice site variant predicted to result in a null allele in a gene for which loss of function is a known mechanism of disease; Not observed at significant frequency in large population cohorts (gnomAD); Has not been previously published as pathogenic or benign to our knowledge

Labcorp Genetics (formerly Invitae), Labcorp
Classification: Likely pathogenic for Familial hemophagocytic lymphohistiocytosis 5. Last evaluated: 2024-02-22. Review status: criteria provided, single submitter. Criteria: Invitae Variant Classification Sherloc (09022015). Collection method: clinical testing. Allele origin: germline.
Comment: This sequence change affects an acceptor splice site in intron 4 of the STXBP2 gene. It is expected to disrupt RNA splicing. Variants that disrupt the donor or acceptor splice site typically lead to a loss of protein function (PMID: 16199547), and loss-of-function variants in STXBP2 are known to be pathogenic (PMID: 19804848, 22451424). This variant is not present in population databases (gnomAD no frequency). This variant has not been reported in the literature in individuals affected with STXBP2-related conditions. Algorithms developed to predict the effect of sequence changes on RNA splicing suggest that this variant may disrupt the consensus splice site. In summary, the currently available evidence indicates that the variant is pathogenic, but additional data are needed to prove that conclusively. Therefore, this variant has been classified as Likely Pathogenic.

Literature cited by the submitters: PubMed 16199547 (cited by Labcorp Genetics (formerly Invitae), Labcorp); PubMed 19804848 (cited by Labcorp Genetics (formerly Invitae), Labcorp); PubMed 22451424 (cited by Labcorp Genetics (formerly Invitae), Labcorp).

NM_006949.4(STXBP2):c.247-2A>G

Gene: STXBP2 (syntaxin binding protein 2; plus strand). Cytogenetic location: 19p13.2.
Variant type: single nucleotide variant.
Coding change: c.247-2A>G on transcript NM_006949.4 (MANE Select); the canonical splice acceptor site of the intron before coding-DNA position 247, A replaced by G.
Molecular consequence: splice acceptor variant. On other transcripts: missense variant (1), intron variant (1).
Genome position (GRCh38, 1-based): chr19:7,640,729, A>G. VCF-style: chr19-7640729-A-G. GRCh37 (hg19) VCF-style: chr19-7705615-A-G.
Other names: c.278A>G, p.Gln93Arg (NM_001272034.2); c.151-2A>G (NM_001414484.1); c.247-11A>G (NM_001127396.3); short protein forms Q93R.
Identifiers: ClinVar variation 2699295 (VCV002699295.5), dbSNP rs921624651, ClinGen allele CA304906104.
Genomic context (GRCh38, chr19:7,640,729, plus strand): 5'-CTAGGCAGCCAATGAGCCTAGGTGTGCAGGCTCAGGCCCAGAGAGTGATCCACCTTCCCC[A>G]GTCGGTTCAGGCCCTGATCAAAGACTTCCAGGGGACCCCGACTTTCACCTACAAAGCGGC-3'